The following is an entry in ClinVar:

NM_001244008.2(KIF1A):c.3721G>A (p.Glu1241Lys)

Gene: KIF1A (kinesin family member 1A; minus strand). Cytogenetic location: 2q37.3.
Variant type: single nucleotide variant.
Coding change: c.3721G>A on transcript NM_001244008.2 (MANE Select); coding-DNA position 3721, G replaced by A.
Protein change: p.Glu1241Lys; replaces glutamic acid 1241 with lysine.
Molecular consequence: missense variant.
Genome position (GRCh38, 1-based): chr2:240,741,297, C>T on the plus strand (G>A on the coding strand, the complement: KIF1A is on the minus strand). VCF-style: chr2-240741297-C-T. GRCh37 (hg19) VCF-style: chr2-241680714-C-T.
Other names: c.3721G>A (NM_001244008.1); c.3445G>A, p.Glu1149Lys (NM_001320705.2, NM_001330289.2, NM_001379638.1); c.3520G>A, p.Glu1174Lys (NM_001330290.2, NM_001379634.1, NM_001379635.1 and 1 more transcripts); c.3796G>A, p.Glu1266Lys (NM_001379631.1); c.3670G>A, p.Glu1224Lys (NM_001379632.1); c.3694G>A, p.Glu1232Lys (NM_001379633.1, NM_001379642.1, NM_001379645.1); c.3418G>A, p.Glu1140Lys (NM_001379636.1, NM_001379639.1, NM_001379641.1 and 5 more transcripts); c.3493G>A, p.Glu1165Lys (NM_001379637.1, NM_001379648.1); and 1 more; short protein forms E1140K, E1241K, E1149K, E1174K, E1139K, E1165K, E1224K, E1232K.
Identifiers: ClinVar variation 574878 (VCV000574878.18), dbSNP rs770190085, ClinGen allele CA2207692.

ClinVar aggregate classification (germline): Conflicting classifications of pathogenicity. Review status: criteria provided, conflicting classifications (1 of 4 stars). 4 submissions from 4 submitters: Uncertain significance (3); Benign (1). Last evaluated 2026-02-17.

Conditions:
Inborn genetic diseases. Identifiers: MedGen C0950123, MeSH D030342.
Neuropathy, hereditary sensory, type 2C. Also called: KIF1A-Related HSAN2 (HSAN2C); Hereditary sensory and autonomic neuropathy type IIC. Identifiers: Orphanet 970, MedGen C3280168, MONDO:0013634, OMIM 614213.
Intellectual disability, autosomal dominant 9 (NESCAVS). Also called: NESCAV SYNDROME; KIF1A-Related Neurodevelopmental Disorder. Identifiers: Orphanet 662367, MedGen C5393830, MONDO:0013656, OMIM 614255.
Hereditary spastic paraplegia 30. Identifiers: Orphanet 101010, MedGen C5235139, MONDO:0012476.

Allele frequency attached by ClinVar (database versions not stated): ExAC 0.00002; gnomAD 0.00002; gnomAD exomes 0.00002 and 0.00005; TOPMed 0.00002.

Submissions (4):

Women's Health and Genetics/Laboratory Corporation of America, LabCorp
Classification: Uncertain significance. Last evaluated: 2026-02-17. Review status: criteria provided, single submitter. Criteria: LabCorp Variant Classification Summary - May 2015. Collection method: clinical testing. Allele origin: germline.
Comment: Variant summary: KIF1A c.3418G>A (p.Glu1140Lys) results in a conservative amino acid change in the encoded protein sequence. Algorithms developed to predict the effect of missense changes on protein structure and function are either unavailable or do not agree on the potential impact of this missense change. The variant allele was found at a frequency of 1.8e-05 in 227338 control chromosomes. The available data on variant occurrences in the general population are insufficient to allow any conclusion about variant significance. c.3418G>A has been observed in at least one heterozygous individual affected with Amyotrophic lateral sclerosis without evidence for causality (e.g. Liao_2022). These report(s) do not provide unequivocal conclusions about association of the variant with Neuropathy, hereditary sensory, type 2C. To our knowledge, no experimental evidence demonstrating an impact on protein function has been reported. The following publication has been ascertained in the context of this evaluation (PMID: 36284339). ClinVar contains an entry for this variant (Variation ID: 574878). Based on the evidence outlined above, the variant was classified as uncertain significance.

Labcorp Genetics (formerly Invitae), Labcorp
Classification: Benign for Hereditary spastic paraplegia 30; Neuropathy, hereditary sensory, type 2C; Intellectual disability, autosomal dominant 9. Last evaluated: 2025-08-20. Review status: criteria provided, single submitter. Criteria: Invitae Variant Classification Sherloc (09022015). Collection method: clinical testing. Allele origin: germline.

GeneDx
Classification: Uncertain significance. Last evaluated: 2024-04-18. Review status: criteria provided, single submitter. Criteria: GeneDx Variant Classification Process June 2021. Collection method: clinical testing. Allele origin: germline. Affected: yes.
Comment: In silico analysis supports that this missense variant has a deleterious effect on protein structure/function; Has not been previously published as pathogenic or benign to our knowledge

Ambry Genetics
Classification: Uncertain significance for Inborn genetic diseases. Last evaluated: 2023-05-23. Review status: criteria provided, single submitter. Criteria: Ambry Variant Classification Scheme 2023. Collection method: clinical testing. Allele origin: germline.

Literature cited by the submitters: PubMed 36284339 (cited by Women's Health and Genetics/Laboratory Corporation of America, LabCorp).